The following is an entry in ClinVar:

ClinVar aggregate classification (germline): Benign/Likely benign. Review status: criteria provided, multiple submitters, no conflicts (2 of 4 stars). 7 submissions from 7 submitters: Benign (2); Likely benign (5). Last evaluated 2026-01-20.

Conditions:
Hereditary nonpolyposis colorectal neoplasms. Identifiers: MedGen C0009405, MeSH D003123.
Hereditary cancer-predisposing syndrome. Also called: Neoplastic Syndromes, Hereditary; Tumor predisposition; Hereditary Cancer Syndrome; Hereditary neoplastic syndrome. Identifiers: Orphanet 140162, MedGen C0027672, MeSH D009386, MONDO:0015356.
Lynch syndrome. Identifiers: Orphanet 144, MedGen C4552100, MONDO:0005835. Disease mechanism: loss of function.
Lynch syndrome 5 (LYNCH5). Also called: Colorectal cancer, hereditary nonpolyposis, type 5; Hereditary non-polyposis colorectal cancer, type 5. Identifiers: Orphanet 144, MedGen C1833477, MONDO:0013710, OMIM 614350. Disease mechanism: loss of function.

Allele frequency attached by ClinVar (database versions not stated): gnomAD 0.00003; gnomAD exomes 0.00006; ExAC 0.00010; 1000 Genomes Project 30x 0.00062; 1000 Genomes Project 0.00080.

Submissions (7):

Labcorp Genetics (formerly Invitae), Labcorp
Classification: Likely benign for Hereditary nonpolyposis colorectal neoplasms. Last evaluated: 2026-01-20. Review status: criteria provided, single submitter. Criteria: Invitae Variant Classification Sherloc (09022015). Collection method: clinical testing. Allele origin: germline.

KCCC/NGS Laboratory, Kuwait Cancer Control Center
Classification: Benign for Lynch syndrome 5. Last evaluated: 2025-02-01. Review status: criteria provided, single submitter. Criteria: ACMG Guidelines, 2015. Collection method: clinical testing. Allele origin: germline. Affected: no.

Myriad Genetics, Inc.
Classification: Benign for Lynch syndrome 5. Last evaluated: 2024-12-20. Review status: criteria provided, single submitter. Criteria: Myriad Autosomal Dominant, Autosomal Recessive and X-Linked Classification Criteria (2023). Collection method: clinical testing. Allele origin: unknown.
Comment: This variant is considered benign. This variant is a silent/synonymous amino acid change and it is not expected to impact splicing.

All of Us Research Program, National Institutes of Health
Classification: Likely benign for Lynch syndrome. Last evaluated: 2024-02-05. Review status: criteria provided, single submitter. Criteria: ACMG Guidelines, 2015. Collection method: clinical testing. Allele origin: germline. Inheritance: Autosomal dominant inheritance. Observed: 3 variant alleles, 3 heterozygotes.
Comment: This study involves interpretation of variants in research participants for the purpose of population health screening. Participant phenotype was not available at the time of variant classification. Additional details can be found in publication PMID: 35346344, PMCID: PMC8962531

Color Diagnostics, LLC DBA Color Health
Classification: Likely benign for Hereditary cancer-predisposing syndrome. Last evaluated: 2017-07-13. Review status: criteria provided, single submitter. Criteria: ACMG Guidelines, 2015. Collection method: clinical testing. Allele origin: germline.

GeneDx
Classification: Likely benign. Last evaluated: 2016-07-20. Review status: criteria provided, single submitter. Criteria: GeneDx Variant Classification (06012015). Collection method: clinical testing. Allele origin: germline. Affected: yes.
Comment: This variant is considered likely benign or benign based on one or more of the following criteria: it is a conservative change, it occurs at a poorly conserved position in the protein, it is predicted to be benign by multiple in silico algorithms, and/or has population frequency not consistent with disease.

Ambry Genetics
Classification: Likely benign for Hereditary cancer-predisposing syndrome. Last evaluated: 2014-11-04. Review status: criteria provided, single submitter. Criteria: Ambry Variant Classification Scheme 2023. Collection method: clinical testing. Allele origin: germline.

NM_000179.3(MSH6):c.960C>T (p.Pro320=)

Gene: MSH6 (mutS homolog 6; plus strand). Cytogenetic location: 2p16.3.
Variant type: single nucleotide variant.
Coding change: c.960C>T on transcript NM_000179.3 (MANE Select); coding-DNA position 960, C replaced by T.
Protein change: p.Pro320=; no amino-acid change (proline 320 retained).
Molecular consequence: synonymous variant.
Genome position (GRCh38, 1-based): chr2:47,798,943, C>T. VCF-style: chr2-47798943-C-T. GRCh37 (hg19) VCF-style: chr2-48026082-C-T.
Other names: c.570C>T, p.Pro190= (NM_001281492.2); c.54C>T, p.Pro18= (NM_001281493.2, NM_001281494.2).
Identifiers: ClinVar variation 186984 (VCV000186984.21), dbSNP rs575325950, ClinGen allele CA016687.
Genomic context (GRCh38, chr2:47,798,943, plus strand): 5'-GAAGAGAATGGTGACTGGAAATGGCTCTCTTAAAAGGAAAAGCTCTAGGAAGGAAACGCC[C>T]TCAGCCACCAAACAAGCAACTAGCATTTCATCAGAAACCAAGAATACTTTGAGAGCTTTC-3'
Protein context (NP_000170.1, residues 310-330): LKRKSSRKET[Pro320=]SATKQATSIS